The following is an entry in ClinVar:

ClinVar aggregate classification (germline): Uncertain significance. Review status: criteria provided, multiple submitters, no conflicts (2 of 4 stars). 2 submissions from 2 submitters: Uncertain significance (2). Last evaluated 2026-04-13.

Conditions:
Polycystic kidney disease, adult type (PKD1). Also called: Polycystic Kidney Disease 1, Autosomal Dominant; Polycystic kidney disease 1; Polycystic kidney disease 1, severe; Polycystic Kidney, Autosomal Dominant; POLYCYSTIC KIDNEY DISEASE 1 WITH OR WITHOUT POLYCYSTIC LIVER DISEASE; POLYCYSTIC KIDNEY DISEASE, ADULT, TYPE I. Identifiers: MedGen C3149841, MONDO:0008263, OMIM 173900.

Submissions (2):

Women's Health and Genetics/Laboratory Corporation of America, LabCorp
Classification: Uncertain significance. Last evaluated: 2026-04-13. Review status: criteria provided, single submitter. Criteria: LabCorp Variant Classification Summary - May 2015. Collection method: clinical testing. Allele origin: germline.
Comment: Variant summary: PKD1 c.8705A>C (p.Gln2902Pro) results in a non-conservative amino acid change in the encoded protein sequence. Algorithms developed to predict the effect of missense changes on protein structure and function are either unavailable or do not agree on the potential impact of this missense change. The variant was absent in 237986 control chromosomes. The available data on variant occurrences in the general population are insufficient to allow any conclusion about variant significance. To our knowledge, no occurrence of c.8705A>C in individuals affected with PKD1-related conditions and no experimental evidence demonstrating its impact on protein function have been reported. ClinVar contains an entry for this variant (Variation ID: 3579153). Based on the evidence outlined above, the variant was classified as uncertain significance.

Fulgent Genetics
Classification: Uncertain significance for Polycystic kidney disease, adult type. Last evaluated: 2024-04-29. Review status: criteria provided, single submitter. Criteria: ACMG Guidelines, 2015. Collection method: clinical testing. Allele origin: germline.

NM_001009944.3(PKD1):c.8705A>C (p.Gln2902Pro)

Gene: PKD1 (polycystin 1, transient receptor potential channel interacting; minus strand). Cytogenetic location: 16p13.3.
Variant type: single nucleotide variant.
Coding change: c.8705A>C on transcript NM_001009944.3 (MANE Select); coding-DNA position 8705, A replaced by C.
Protein change: p.Gln2902Pro; replaces glutamine 2902 with proline.
Molecular consequence: missense variant.
Genome position (GRCh38, 1-based): chr16:2,103,352, T>G on the plus strand (A>C on the coding strand, the complement: PKD1 is on the minus strand). VCF-style: chr16-2103352-T-G. GRCh37 (hg19) VCF-style: chr16-2153353-T-G.
Other names: c.8705A>C, p.Gln2902Pro (NM_000296.4); short protein forms Q2902P.
Identifiers: ClinVar variation 3579153 (VCV003579153.3).